The following is an entry in ClinVar:

NM_007194.4(CHEK2):c.1246_1248del (p.Ile416del)

Gene: CHEK2 (checkpoint kinase 2; minus strand). Cytogenetic location: 22q12.1.
Variant type: Deletion.
Coding change: c.1246_1248del on transcript NM_007194.4 (MANE Select); coding-DNA positions 1246 to 1248, 3 bases deleted (ATT; older notation c.1246_1248delATT).
Protein change: p.Ile416del; deletes isoleucine 416.
Molecular consequence: inframe deletion. On other transcripts: inframe indel (4).
Genome position (GRCh38, 1-based): chr22:28,695,721-28,695,723, AAT deleted on the plus strand (ATT on the coding strand, the reverse complement: CHEK2 is on the minus strand); deleting any 3 consecutive bases within chr22:28,695,721-28,695,725 gives the same sequence; the c. name uses the placement nearest the transcript's 3' end. VCF-style (leftmost placement, unchanged base first): chr22-28695720-GAAT-G. GRCh37 (hg19) VCF-style: chr22-29091708-GAAT-G.
Other names: c.1246_1248delATT (NM_007194.3); c.1373_1375delTTA, p.Ile459del (NM_001005735.3); c.581_583delTTA, p.Ile195del (NM_001257387.3); c.1043_1045delTTA, p.Ile349del (NM_001349956.3); c.1157_1159delTTA, p.Ile387del (NM_145862.3); short protein forms I416del, I387del, I349del, I195del, I459del.
Identifiers: ClinVar variation 479551 (VCV000479551.13), dbSNP rs760118917, ClinGen allele CA10167703.
Genomic context (GRCh38, chr22:28,695,720, plus strand): 5'-TCATCTAATCACCTCCTACCAGTCTGTGCAGCAATGAAAATATTTCTTACCAGATAAAAA[GAAT>G]AACTCCTAAACTCCAGCAGTCCACAGCACGGTTATACCCAGCAGTCCCAACAGAAACAAG-3'

ClinVar aggregate classification (germline): Uncertain significance. Review status: criteria provided, multiple submitters, no conflicts (2 of 4 stars). 4 submissions from 4 submitters: Uncertain significance (4). Last evaluated 2025-11-10.

Conditions:
Hereditary cancer-predisposing syndrome. Also called: Hereditary Cancer Syndrome; Neoplastic Syndromes, Hereditary; Tumor predisposition; Hereditary neoplastic syndrome. Identifiers: Orphanet 140162, MedGen C0027672, MeSH D009386, MONDO:0015356.
Familial cancer of breast. Also called: BREAST CANCER, FAMILIAL; Hereditary breast cancer; hereditary breast carcinoma. Identifiers: Orphanet 227535, MedGen C0346153, MONDO:0016419, OMIM 114480. Disease mechanism: loss of function.

Submissions (4):

Labcorp Genetics (formerly Invitae), Labcorp
Classification: Uncertain significance for Familial cancer of breast. Last evaluated: 2025-11-10. Review status: criteria provided, single submitter. Criteria: Invitae Variant Classification Sherloc (09022015). Collection method: clinical testing. Allele origin: germline.
Comment: This variant, c.1246_1248del, results in the deletion of 1 amino acid(s) of the CHEK2 protein (p.Ile416del), but otherwise preserves the integrity of the reading frame. This variant is not present in population databases (gnomAD no frequency). This variant has not been reported in the literature in individuals affected with CHEK2-related conditions. ClinVar contains an entry for this variant (Variation ID: 479551). Experimental studies and prediction algorithms are not available or were not evaluated, and the functional significance of this variant is currently unknown. In summary, the available evidence is currently insufficient to determine the role of this variant in disease. Therefore, it has been classified as a Variant of Uncertain Significance.

Quest Diagnostics Nichols Institute San Juan Capistrano
Classification: Uncertain significance. Last evaluated: 2025-06-02. Review status: criteria provided, single submitter. Criteria: Quest Diagnostics criteria. Collection method: clinical testing. Allele origin: unknown.
Comment: The CHEK2 c.1246_1248del (p.Ile416del) variant has been reported in the published literature in an individual with breast cancer (PMID: 34884835 (2021)). This variant has not been reported in large, multi-ethnic general populations (Genome Aggregation Database). Based on the available information, we are unable to determine the clinical significance of this variant.

Women's Health and Genetics/Laboratory Corporation of America, LabCorp
Classification: Uncertain significance. Last evaluated: 2023-04-20. Review status: criteria provided, single submitter. Criteria: LabCorp Variant Classification Summary - May 2015. Collection method: clinical testing. Allele origin: germline.
Comment: Variant summary: CHEK2 c.1246_1248delATT (p.Ile416del) results in an in-frame deletion that is predicted to remove 1 amino acid from the encoded protein. The variant was absent in 250062 control chromosomes (gnomAD). The available data on variant occurrences in the general population are insufficient to allow any conclusion about variant significance. c.1246_1248delATT has been reported in the literature in at least one individual affected with Breast Cancer (Urbina-Jara_2021). These data do not allow any conclusion about variant significance. To our knowledge, no experimental evidence demonstrating an impact on protein function has been reported. Two ClinVar submitters have assessed the variant since 2014: both classified the variant as uncertain significance. Based on the evidence outlined above, the variant was classified as uncertain significance.

Color Diagnostics, LLC DBA Color Health
Classification: Uncertain significance for Hereditary cancer-predisposing syndrome. Last evaluated: 2018-09-25. Review status: criteria provided, single submitter. Criteria: ACMG Guidelines, 2015. Collection method: clinical testing. Allele origin: germline.

Literature cited by the submitters: PubMed 34884835 (cited by Quest Diagnostics Nichols Institute San Juan Capistrano and Women's Health and Genetics/Laboratory Corporation of America, LabCorp); PubMed 38153744 (cited by Quest Diagnostics Nichols Institute San Juan Capistrano).